The following is an entry in ClinVar:

NM_012188.5(FOXI1):c.1009T>C (p.Trp337Arg)

Gene: FOXI1 (forkhead box I1; plus strand). Cytogenetic location: 5q35.1.
Variant type: single nucleotide variant.
Coding change: c.1009T>C on transcript NM_012188.5 (MANE Select); coding-DNA position 1009, T replaced by C.
Protein change: p.Trp337Arg; replaces tryptophan 337 with arginine.
Molecular consequence: missense variant.
Genome position (GRCh38, 1-based): chr5:170,108,483, T>C. VCF-style: chr5-170108483-T-C. GRCh37 (hg19) VCF-style: chr5-169535487-T-C.
Other names: c.724T>C, p.Trp242Arg (NM_144769.4); short protein forms W242R, W337R.
Identifiers: ClinVar variation 2091885 (VCV002091885.4), dbSNP rs763347695, ClinGen allele CA362128544.

ClinVar aggregate classification (germline): Uncertain significance (1 of 4 stars; one submission).

Submission:

Labcorp Genetics (formerly Invitae), Labcorp
Classification: Uncertain significance. Last evaluated: 2022-03-01. Review status: criteria provided, single submitter. Criteria: Invitae Variant Classification Sherloc (09022015). Collection method: clinical testing. Allele origin: germline.
Comment: In summary, the available evidence is currently insufficient to determine the role of this variant in disease. Therefore, it has been classified as a Variant of Uncertain Significance. Algorithms developed to predict the effect of missense changes on protein structure and function (SIFT, PolyPhen-2, Align-GVGD) all suggest that this variant is likely to be disruptive. This variant has not been reported in the literature in individuals affected with FOXI1-related conditions. This variant is not present in population databases (gnomAD no frequency). This sequence change replaces tryptophan, which is neutral and slightly polar, with arginine, which is basic and polar, at codon 337 of the FOXI1 protein (p.Trp337Arg).